The following is an entry in ClinVar:

NM_152743.4(BRAT1):c.1280G>A (p.Arg427Gln)

Gene: BRAT1 (BRCA1 associated ATM activator 1; minus strand). Cytogenetic location: 7p22.3.
Variant type: single nucleotide variant.
Coding change: c.1280G>A on transcript NM_152743.4 (MANE Select); coding-DNA position 1280, G replaced by A.
Protein change: p.Arg427Gln; replaces arginine 427 with glutamine.
Molecular consequence: missense variant. On other transcripts: non-coding transcript variant (1).
Genome position (GRCh38, 1-based): chr7:2,541,339, C>T on the plus strand (G>A on the coding strand, the complement: BRAT1 is on the minus strand). VCF-style: chr7-2541339-C-T. GRCh37 (hg19) VCF-style: chr7-2580973-C-T.
Other names: c.1280G>A, p.Arg427Gln (NM_001350626.2); c.755G>A, p.Arg252Gln (NM_001350627.2); short protein forms R427Q, R252Q.
Identifiers: ClinVar variation 644633 (VCV000644633.45), dbSNP rs375466838, ClinGen allele CA4127851.

ClinVar aggregate classification (germline): Conflicting classifications of pathogenicity. Review status: criteria provided, conflicting classifications (1 of 4 stars). 3 submissions from 3 submitters: Uncertain significance (2); Likely benign (1). Last evaluated 2024-09-20.

Conditions:
Neurodevelopmental disorder with cerebellar atrophy and with or without seizures. Identifiers: MedGen C4748032, MONDO:0020841, OMIM 618056.
Neonatal-onset encephalopathy with rigidity and seizures. Also called: Lethal neonatal spasticity-epileptic encephalopathy syndrome. Identifiers: Orphanet 435845, MedGen C3281029, MONDO:0013784, OMIM 614498.

Allele frequency attached by ClinVar (database versions not stated): gnomAD 0.00001 and 0.00002; TOPMed 0.00002; 1000 Genomes Project 30x 0.00031; 1000 Genomes Project 0.00040.
gnomAD v4.1: 70 of 1,604,032 alleles (0.0044%); highest among the groups gnomAD compares: East Asian, 0.033%; no homozygotes.

Submissions (3):

3billion
Classification: Likely benign for Neurodevelopmental disorder with cerebellar atrophy and with or without seizures; Neonatal-onset encephalopathy with rigidity and seizures. Last evaluated: 2024-09-20. Review status: criteria provided, single submitter. Criteria: ACMG Guidelines, 2015. Collection method: clinical testing. Allele origin: germline. Affected: no.
Comment: The homozygous variant was found in patients diagnosed with another variant in a different gene, with no symptoms related to the gene containing the homozygous variant.

Labcorp Genetics (formerly Invitae), Labcorp
Classification: Uncertain significance for Neonatal-onset encephalopathy with rigidity and seizures. Last evaluated: 2022-08-22. Review status: criteria provided, single submitter. Criteria: Invitae Variant Classification Sherloc (09022015). Collection method: clinical testing. Allele origin: germline.
Comment: This sequence change replaces arginine, which is basic and polar, with glutamine, which is neutral and polar, at codon 427 of the BRAT1 protein (p.Arg427Gln). This variant is present in population databases (rs375466838, gnomAD 0.07%). This variant has not been reported in the literature in individuals affected with BRAT1-related conditions. ClinVar contains an entry for this variant (Variation ID: 644633). Algorithms developed to predict the effect of missense changes on protein structure and function are either unavailable or do not agree on the potential impact of this missense change (SIFT: "Deleterious"; PolyPhen-2: "Probably Damaging"; Align-GVGD: "Class C0"). In summary, the available evidence is currently insufficient to determine the role of this variant in disease. Therefore, it has been classified as a Variant of Uncertain Significance.

CeGaT Center for Human Genetics Tuebingen
Classification: Uncertain significance. Last evaluated: 2020-02-01. Review status: criteria provided, single submitter. Criteria: CeGaT Center For Human Genetics Tuebingen Variant Classification Criteria Version 2. Collection method: clinical testing. Allele origin: germline. Affected: yes. Observed: 1 variant allele.